The following is an entry in ClinVar:

NM_003126.4(SPTA1):c.3331G>A (p.Asp1111Asn)

Gene: SPTA1 (spectrin alpha, erythrocytic 1; minus strand). Cytogenetic location: 1q23.1.
Variant type: single nucleotide variant.
Coding change: c.3331G>A on transcript NM_003126.4 (MANE Select); coding-DNA position 3331, G replaced by A.
Protein change: p.Asp1111Asn; replaces aspartic acid 1111 with asparagine.
Molecular consequence: missense variant.
Genome position (GRCh38, 1-based): chr1:158,652,511, C>T on the plus strand (G>A on the coding strand, the complement: SPTA1 is on the minus strand). VCF-style: chr1-158652511-C-T. GRCh37 (hg19) VCF-style: chr1-158622301-C-T.
Other names: short protein forms D1111N.
Identifiers: ClinVar variation 1184413 (VCV001184413.1), dbSNP rs760205675, ClinGen allele CA343037347.

ClinVar aggregate classification (germline): Uncertain significance (1 of 4 stars; one submission).

Conditions:
Elliptocytosis 2 (EL2). Also called: ELLIPTOCYTOSIS, RHESUS-UNLINKED TYPE. Identifiers: Orphanet 288, MedGen C1851741, MONDO:0007533, OMIM 130600.

Allele frequency attached by ClinVar (database versions not stated): gnomAD exomes below 0.00001; TOPMed below 0.00001.
gnomAD v4.1: 4 of 1,614,206 alleles (0.00025%); highest among the groups gnomAD compares: East Asian, 0.0022%; no homozygotes.

Submission:

New York Genome Center
Classification: Uncertain significance for Elliptocytosis 2. Last evaluated: 2020-07-31. Review status: criteria provided, single submitter. Criteria: NYGC Assertion Criteria 2020. Collection method: clinical testing. Allele origin: inherited. Observed: 1 compound heterozygote. Study: CSER-NYCKidSeq.
Comment: The inherited p.Asp1111Asn variant identified the SPTA1 gene has not been reported in affected individuals in the literature to the best of our knowledge. The variant is absent from gnomAD(v3) database indicating it is an extremely rare allele in the populations represented in this database. The variant affects a moderately conserved residue and is predicted deleterious be multiple in silico prediction tools. Based on the available evidence, the inherited p.Asp1111Asn in the SPTA1 gene is assessed as a variant of uncertain significance.